The following is an entry in ClinVar:

ClinVar aggregate classification (germline): Pathogenic. Review status: criteria provided, single submitter (1 of 4 stars). 2 submissions from 2 submitters: Pathogenic (1). 1 of the submissions does not count toward it. Last evaluated 2022-07-27.

Conditions:
Aniridia 1 (AN1). Identifiers: Orphanet 250923, MedGen C0344542, MONDO:0024507, OMIM 106210.

Submissions (2):

GeneDx
Classification: Pathogenic. Last evaluated: 2022-07-27. Review status: criteria provided, single submitter. Criteria: GeneDx Variant Classification Process June 2021. Collection method: clinical testing. Allele origin: germline. Affected: yes.
Comment: Nonsense variant predicted to result in protein truncation or nonsense mediated decay in a gene for which loss of function is a known mechanism of disease; Not observed at significant frequency in large population cohorts (gnomAD); This variant is associated with the following publications: (PMID: 25525159, 16712695, 32360764)

Wessex Regional Genetics Laboratory, Salisbury District Hospital
Classification: Pathogenic for Aniridia 1. Last evaluated: 2019-08-15. Review status: no assertion criteria provided. Criteria: ACMG Guidelines, 2015. Collection method: clinical testing. Allele origin: unknown. Inheritance: Autosomal dominant inheritance. Affected: yes. Not counted in ClinVar's aggregate classification.

NM_001368894.2(PAX6):c.531T>G (p.Tyr177Ter)

Gene: PAX6 (paired box 6; minus strand). Cytogenetic location: 11p13.
Variant type: single nucleotide variant.
Coding change: c.531T>G on transcript NM_001368894.2 (MANE Select); coding-DNA position 531, T replaced by G.
Protein change: p.Tyr177Ter; replaces tyrosine 177 with a stop codon.
Molecular consequence: nonsense. On other transcripts: non-coding transcript variant (2).
Genome position (GRCh38, 1-based): chr11:31,800,725, A>C on the plus strand (T>G on the coding strand, the complement: PAX6 is on the minus strand). VCF-style: chr11-31800725-A-C. GRCh37 (hg19) VCF-style: chr11-31822273-A-C.
Other names: c.489T>G, p.Tyr163Ter (NM_000280.6, NM_001127612.3, NM_001258464.2 and 10 more transcripts); c.531T>G, p.Tyr177Ter (NM_001258462.3, NM_001258463.2, NM_001310158.2 and 6 more transcripts); c.81T>G, p.Tyr27Ter (NM_001310160.2, NM_001310161.3, NM_001368899.2 and 11 more transcripts); c.732T>G, p.Tyr244Ter (NM_001368910.2); c.534T>G, p.Tyr178Ter (NM_001368911.2); c.606T>G, p.Tyr202Ter (NM_001368918.2, NM_001368919.2); c.564T>G, p.Tyr188Ter (NM_001368920.2); c.330T>G, p.Tyr110Ter (NM_001368921.2, NM_001368922.2, NM_001368923.2 and 4 more transcripts); and 1 more; short protein forms Y163*, Y27*, Y110*, Y178*, Y202*, Y244*, Y177*, Y188*.
Identifiers: ClinVar variation 800439 (VCV000800439.5), dbSNP rs1592530126, ClinGen allele CA379957983.